The following is an entry in ClinVar:

ClinVar aggregate classification (germline): Pathogenic (1 of 4 stars; one submission).

Conditions:
von Willebrand disorder (VWD). Also called: von Willebrand Diseases; Von Willebrand disease (hereditary or acquired); von Willebrand's disease. Identifiers: MedGen C0042974, MeSH D014842, MONDO:0024574.

Submission:

Women's Health and Genetics/Laboratory Corporation of America, LabCorp
Classification: Pathogenic for von Willebrand disorder. Last evaluated: 2025-05-13. Review status: criteria provided, single submitter. Criteria: LabCorp Variant Classification Summary - May 2015. Collection method: clinical testing. Allele origin: germline.
Comment: Variant summary: The variant involves the deletion of exons 48-52 in the VWF gene. A presumed nomenclature of c.(7887+1_7888-1)_(*139_?)del has been designated for the purposes of this classification. The exact breakpoint at the distal 3' end of this variant is unknown, therefore this deletion may extend downstream of the annotated region of the gene. As it encompasses the termination codon, it is predicted to escape nonsense mediated decay (NMD). The variant was absent in 21694 control chromosomes. c.(7887+1_7888-1)_(*139_?)del has been observed in at least one compound heterozygous individual affected with Von Willebrand Disease, Type 3 (e.g. Yadegari_2011). To our knowledge, no experimental evidence demonstrating an impact on protein function has been reported. Alternate variants within the deleted region (c.8317T>C (p.Cys2773Arg); c.8318G>C (p.Cys2773Ser)) have been classified as Pathogenic in ClinVar by the ClinGen von Willebrand Disease Variant Curation Expert Panel, suggesting that the deleted region is critical to protein function. The following publication has been ascertained in the context of this evaluation (PMID: 21410641). No submitters have cited clinical-significance assessments for this variant to ClinVar. Based on the evidence outlined above, the variant was classified as pathogenic.

Literature cited by the submitters: PubMed 21410641.

NC_000012.11:g.(?_6058042)_(6062761_6076651)del

Gene: VWF (von Willebrand factor; minus strand). Cytogenetic location: 12p13.31.
Variant type: Deletion.
Identifiers: ClinVar variation 3902231 (VCV003902231.1).